The following is an entry in ClinVar:

NM_015559.3(SETBP1):c.4247A>G (p.Asn1416Ser)

Gene: SETBP1 (SET binding protein 1; plus strand). Cytogenetic location: 18q12.3.
Variant type: single nucleotide variant.
Coding change: c.4247A>G on transcript NM_015559.3 (MANE Select); coding-DNA position 4247, A replaced by G.
Protein change: p.Asn1416Ser; replaces asparagine 1416 with serine.
Molecular consequence: missense variant.
Genome position (GRCh38, 1-based): chr18:45,063,154, A>G. VCF-style: chr18-45063154-A-G. GRCh37 (hg19) VCF-style: chr18-42643119-A-G.
Other names: c.4247A>G, p.Asn1416Ser (NM_001379141.1, NM_001379142.1); short protein forms N1416S.
Identifiers: ClinVar variation 1424601 (VCV001424601.8), dbSNP rs1268331067, ClinGen allele CA402482976.

ClinVar aggregate classification (germline): Uncertain significance (1 of 4 stars; one submission).

Allele frequency attached by ClinVar (database versions not stated): gnomAD exomes below 0.00001; gnomAD 0.00001.
gnomAD v4.1: 6 of 1,613,890 alleles (0.00037%); highest among the groups gnomAD compares: South Asian, 0.0044%; no homozygotes.

Submission:

Labcorp Genetics (formerly Invitae), Labcorp
Classification: Uncertain significance. Last evaluated: 2023-10-03. Review status: criteria provided, single submitter. Criteria: Invitae Variant Classification Sherloc (09022015). Collection method: clinical testing. Allele origin: germline.
Comment: This sequence change replaces asparagine, which is neutral and polar, with serine, which is neutral and polar, at codon 1416 of the SETBP1 protein (p.Asn1416Ser). This variant is present in population databases (no rsID available, gnomAD 0.007%). This variant has not been reported in the literature in individuals affected with SETBP1-related conditions. ClinVar contains an entry for this variant (Variation ID: 1424601). Advanced modeling of protein sequence and biophysical properties (such as structural, functional, and spatial information, amino acid conservation, physicochemical variation, residue mobility, and thermodynamic stability) performed at Invitae indicates that this missense variant is not expected to disrupt SETBP1 protein function. In summary, the available evidence is currently insufficient to determine the role of this variant in disease. Therefore, it has been classified as a Variant of Uncertain Significance.